The following is an entry in ClinVar:

NM_138694.4(PKHD1):c.9386G>A (p.Gly3129Asp)

Gene: PKHD1 (PKHD1 ciliary IPT domain containing fibrocystin/polyductin; minus strand). Cytogenetic location: 6p12.3.
Variant type: single nucleotide variant.
Coding change: c.9386G>A on transcript NM_138694.4 (MANE Select); coding-DNA position 9386, G replaced by A.
Protein change: p.Gly3129Asp; replaces glycine 3129 with aspartic acid.
Molecular consequence: missense variant.
Genome position (GRCh38, 1-based): chr6:51,748,230, C>T on the plus strand (G>A on the coding strand, the complement: PKHD1 is on the minus strand). VCF-style: chr6-51748230-C-T. GRCh37 (hg19) VCF-style: chr6-51613028-C-T.
Other names: c.9386G>A, p.Gly3129Asp (NM_170724.3); short protein forms G3129D.
Identifiers: ClinVar variation 3371296 (VCV003371296.1).

ClinVar aggregate classification (germline): Uncertain significance (1 of 4 stars; one submission).

Submission:

GeneDx
Classification: Uncertain significance. Last evaluated: 2024-03-27. Review status: criteria provided, single submitter. Criteria: GeneDx Variant Classification Process June 2021. Collection method: clinical testing. Allele origin: germline. Affected: yes.
Comment: Not observed at significant frequency in large population cohorts (gnomAD); In silico analysis supports that this missense variant has a deleterious effect on protein structure/function; Has not been previously published as pathogenic or benign to our knowledge